The following is an entry in ClinVar:

NM_015512.5(DNAH1):c.5458G>A (p.Gly1820Ser)

Gene: DNAH1 (dynein axonemal heavy chain 1; plus strand). Cytogenetic location: 3p21.1.
Variant type: single nucleotide variant.
Coding change: c.5458G>A on transcript NM_015512.5 (MANE Select); coding-DNA position 5458, G replaced by A.
Protein change: p.Gly1820Ser; replaces glycine 1820 with serine.
Molecular consequence: missense variant.
Genome position (GRCh38, 1-based): chr3:52,364,959, G>A. VCF-style: chr3-52364959-G-A. GRCh37 (hg19) VCF-style: chr3-52398975-G-A.
Other names: short protein forms G1820S.
Identifiers: ClinVar variation 544632 (VCV000544632.4), dbSNP rs751526472, ClinGen allele CA74754865.

ClinVar aggregate classification (germline): Uncertain significance (1 of 4 stars; one submission).

Conditions:
Ciliary dyskinesia, primary, 37 (CILD37). Also called: CILIARY DYSKINESIA, PRIMARY, 37, WITH OR WITHOUT SITUS INVERSUS. Identifiers: MedGen C4539798, MONDO:0033204, OMIM 617577.
Spermatogenic failure 18. Identifiers: MedGen C4539783, MONDO:0054615, OMIM 617576.

Allele frequency attached by ClinVar (database versions not stated): gnomAD 0.00001; gnomAD exomes 0.00001 and below 0.00001; TOPMed below 0.00001.
gnomAD v4.1: 18 of 1,613,828 alleles (0.0011%); highest among the groups gnomAD compares: Admixed American, 0.0017%; no homozygotes.

Submission:

Labcorp Genetics (formerly Invitae), Labcorp
Classification: Uncertain significance for Ciliary dyskinesia, primary, 37; Spermatogenic failure 18. Last evaluated: 2025-06-25. Review status: criteria provided, single submitter. Criteria: Invitae Variant Classification Sherloc (09022015). Collection method: clinical testing. Allele origin: germline.
Comment: This sequence change replaces glycine, which is neutral and non-polar, with serine, which is neutral and polar, at codon 1820 of the DNAH1 protein (p.Gly1820Ser). The frequency data for this variant in the population databases is considered unreliable, as metrics indicate poor data quality at this position in the gnomAD database. This variant has not been reported in the literature in individuals affected with DNAH1-related conditions. ClinVar contains an entry for this variant (Variation ID: 544632). Invitae Evidence Modeling of protein sequence and biophysical properties (such as structural, functional, and spatial information, amino acid conservation, physicochemical variation, residue mobility, and thermodynamic stability) indicates that this missense variant is not expected to disrupt DNAH1 protein function with a negative predictive value of 80%. In summary, the available evidence is currently insufficient to determine the role of this variant in disease. Therefore, it has been classified as a Variant of Uncertain Significance.